The following is an entry in ClinVar:

NM_006208.3(ENPP1):c.1855A>G (p.Asn619Asp)

Gene: ENPP1 (ectonucleotide pyrophosphatase/phosphodiesterase 1; plus strand). Cytogenetic location: 6q23.2.
Variant type: single nucleotide variant.
Coding change: c.1855A>G on transcript NM_006208.3 (MANE Select); coding-DNA position 1855, A replaced by G.
Protein change: p.Asn619Asp; replaces asparagine 619 with aspartic acid.
Molecular consequence: missense variant.
Genome position (GRCh38, 1-based): chr6:131,877,123, A>G. VCF-style: chr6-131877123-A-G. GRCh37 (hg19) VCF-style: chr6-132198263-A-G.
Other names: short protein forms N619D.
Identifiers: ClinVar variation 2918456 (VCV002918456.3), dbSNP rs745545857, ClinGen allele CA4002341.

ClinVar aggregate classification (germline): Uncertain significance (1 of 4 stars; one submission).

Allele frequency attached by ClinVar (database versions not stated): ExAC 0.00001; gnomAD exomes 0.00005; gnomAD 0.00003; TOPMed 0.00003.
gnomAD v4.1: 78 of 1,613,904 alleles (0.0048%); highest among the groups gnomAD compares: Non-Finnish European, 0.0065%; no homozygotes.

Submission:

Labcorp Genetics (formerly Invitae), Labcorp
Classification: Uncertain significance. Last evaluated: 2025-09-04. Review status: criteria provided, single submitter. Criteria: Invitae Variant Classification Sherloc (09022015). Collection method: clinical testing. Allele origin: germline.
Comment: This sequence change replaces asparagine, which is neutral and polar, with aspartic acid, which is acidic and polar, at codon 619 of the ENPP1 protein (p.Asn619Asp). This variant is present in population databases (rs745545857, gnomAD 0.004%). This variant has not been reported in the literature in individuals affected with ENPP1-related conditions. ClinVar contains an entry for this variant (Variation ID: 2918456). Invitae Evidence Modeling of protein sequence and biophysical properties (such as structural, functional, and spatial information, amino acid conservation, physicochemical variation, residue mobility, and thermodynamic stability) indicates that this missense variant is not expected to disrupt ENPP1 protein function with a negative predictive value of 80%. In summary, the available evidence is currently insufficient to determine the role of this variant in disease. Therefore, it has been classified as a Variant of Uncertain Significance.